The following is an entry in ClinVar:

NM_004614.5(TK2):c.405G>A (p.Ser135=)

Gene: TK2 (thymidine kinase 2; minus strand). Cytogenetic location: 16q21.
Variant type: single nucleotide variant.
Coding change: c.405G>A on transcript NM_004614.5 (MANE Select); coding-DNA position 405, G replaced by A.
Protein change: p.Ser135=; no amino-acid change (serine 135 retained).
Molecular consequence: synonymous variant. On other transcripts: non-coding transcript variant (1).
Genome position (GRCh38, 1-based): chr16:66,529,038, C>T on the plus strand (G>A on the coding strand, the complement: TK2 is on the minus strand). VCF-style: chr16-66529038-C-T. GRCh37 (hg19) VCF-style: chr16-66562941-C-T.
Other names: c.405G>A (NM_004614.4); c.312G>A, p.Ser104= (NM_001172643.1, NM_001271935.1); c.330G>A, p.Ser110= (NM_001172644.2); c.351G>A, p.Ser117= (NM_001172645.2); c.258G>A, p.Ser86= (NM_001271934.2); c.114G>A, p.Ser38= (NM_001272050.2).
Identifiers: ClinVar variation 1529153 (VCV001529153.12), dbSNP rs143010355, ClinGen allele CA8093679.

ClinVar aggregate classification (germline): Likely benign. Review status: criteria provided, multiple submitters, no conflicts (2 of 4 stars). 3 submissions from 3 submitters: Likely benign (2). 1 of the submissions does not count toward it. Last evaluated 2024-03-25.

Conditions:
TK2-related disorder. Also called: TK2-related condition.

Allele frequency attached by ClinVar (database versions not stated): gnomAD exomes 0.00004 and 0.00016; TOPMed 0.00005; gnomAD 0.00008; ExAC 0.00014; 1000 Genomes Project 30x 0.00016; 1000 Genomes Project 0.00020.
gnomAD v4.1: 74 of 1,614,064 alleles (0.0046%); highest among the groups gnomAD compares: East Asian, 0.11%; no homozygotes.

Submissions (3):

Labcorp Genetics (formerly Invitae), Labcorp
Classification: Likely benign. Last evaluated: 2024-03-25. Review status: criteria provided, single submitter. Criteria: Invitae Variant Classification Sherloc (09022015). Collection method: clinical testing. Allele origin: germline.

Blueprint Genetics
Classification: Likely benign. Last evaluated: 2024-03-19. Review status: criteria provided, single submitter. Criteria: ACMG Guidelines, 2015. Collection method: clinical testing. Allele origin: germline.

PreventionGenetics, part of Exact Sciences
Classification: Likely benign for TK2-related condition. Last evaluated: 2024-07-26. Review status: no assertion criteria provided. Collection method: clinical testing. Allele origin: germline. Not counted in ClinVar's aggregate classification.
Comment: This variant is classified as likely benign based on ACMG/AMP sequence variant interpretation guidelines (Richards et al. 2015 PMID: 25741868, with internal and published modifications).